The following is an entry in ClinVar:

ClinVar aggregate classification (germline): Uncertain significance. Review status: criteria provided, multiple submitters, no conflicts (2 of 4 stars). 4 submissions from 4 submitters: Uncertain significance (4). Last evaluated 2025-07-27.

Conditions:
Inborn genetic diseases. Identifiers: MedGen C0950123, MeSH D030342.
Episodic ataxia type 2 (EA2). Also called: ATAXIA, EPISODIC, WITH NYSTAGMUS; ATAXIA, FAMILIAL PAROXYSMAL; CEREBELLAR ATAXIA, PAROXYSMAL, ACETAZOLAMIDE-RESPONSIVE; CEREBELLOPATHY, HEREDITARY PAROXYSMAL; ACETAZOLAMIDE-RESPONSIVE HEREDITARY PAROXYSMAL CEREBELLAR ATAXIA; EPISODIC ATAXIA, NYSTAGMUS-ASSOCIATED. Identifiers: Orphanet 97, MedGen C1720416, MONDO:0007163, OMIM 108500.
Developmental and epileptic encephalopathy, 42 (DEE42A). Also called: Epileptic encephalopathy, early infantile, 42; DEVELOPMENTAL AND EPILEPTIC ENCEPHALOPATHY 42A; EPILEPTIC ENCEPHALOPATHY, EARLY INFANTILE, 42A. Identifiers: MedGen C4310716, MONDO:0014917, OMIM 617106.

Allele frequency attached by ClinVar (database versions not stated): gnomAD 0.00001; TOPMed 0.00002.
gnomAD v4.1: 75 of 1,570,392 alleles (0.0048%); highest among the groups gnomAD compares: Non-Finnish European, 0.0064%; no homozygotes.

Submissions (4):

Labcorp Genetics (formerly Invitae), Labcorp
Classification: Uncertain significance for Developmental and epileptic encephalopathy, 42; Episodic ataxia type 2. Last evaluated: 2025-07-27. Review status: criteria provided, single submitter. Criteria: Invitae Variant Classification Sherloc (09022015). Collection method: clinical testing. Allele origin: germline.
Comment: This sequence change replaces alanine, which is neutral and non-polar, with serine, which is neutral and polar, at codon 2020 of the CACNA1A protein (p.Ala2020Ser). This variant is present in population databases (no rsID available, gnomAD 0.007%). This variant has not been reported in the literature in individuals affected with CACNA1A-related conditions. ClinVar contains an entry for this variant (Variation ID: 450706). Invitae Evidence Modeling of protein sequence and biophysical properties (such as structural, functional, and spatial information, amino acid conservation, physicochemical variation, residue mobility, and thermodynamic stability) indicates that this missense variant is not expected to disrupt CACNA1A protein function with a negative predictive value of 95%. In summary, the available evidence is currently insufficient to determine the role of this variant in disease. Therefore, it has been classified as a Variant of Uncertain Significance.

GeneDx
Classification: Uncertain significance. Last evaluated: 2024-11-08. Review status: criteria provided, single submitter. Criteria: GeneDx Variant Classification Process June 2021. Collection method: clinical testing. Allele origin: germline. Affected: yes.
Comment: Not observed at significant frequency in large population cohorts (gnomAD); In silico analysis indicates that this missense variant does not alter protein structure/function; Has not been previously published as pathogenic or benign to our knowledge

Ambry Genetics
Classification: Uncertain significance for Inborn genetic diseases. Last evaluated: 2024-05-20. Review status: criteria provided, single submitter. Criteria: Ambry Variant Classification Scheme 2023. Collection method: clinical testing. Allele origin: germline.

Athena Diagnostics
Classification: Uncertain significance. Last evaluated: 2017-10-12. Review status: criteria provided, single submitter. Criteria: Athena Diagnostics Criteria. Collection method: clinical testing. Allele origin: germline.

NM_001127222.2(CACNA1A):c.6055G>T (p.Ala2019Ser)

Gene: CACNA1A (calcium voltage-gated channel subunit alpha1 A; minus strand). Cytogenetic location: 19p13.13.
Variant type: single nucleotide variant.
Coding change: c.6055G>T on transcript NM_001127222.2 (MANE Select); coding-DNA position 6055, G replaced by T.
Protein change: p.Ala2019Ser; replaces alanine 2019 with serine.
Molecular consequence: missense variant.
Genome position (GRCh38, 1-based): chr19:13,212,518, C>A on the plus strand (G>T on the coding strand, the complement: CACNA1A is on the minus strand). VCF-style: chr19-13212518-C-A. GRCh37 (hg19) VCF-style: chr19-13323332-C-A.
Other names: c.6073G>T, p.Ala2025Ser (NM_000068.4, NM_023035.3); c.6058G>T, p.Ala2020Ser (NM_001127221.2); c.6064G>T, p.Ala2022Ser (NM_001174080.2); short protein forms A2020S, A2025S, A2019S, A2022S.
Identifiers: ClinVar variation 450706 (VCV000450706.10), dbSNP rs1393616835, ClinGen allele CA404333198.